The following is an entry in ClinVar:

ClinVar aggregate classification (germline): Uncertain significance. Review status: criteria provided, multiple submitters, no conflicts (2 of 4 stars). 2 submissions from 2 submitters: Uncertain significance (2). Last evaluated 2025-12-20.

Conditions:
Inborn genetic diseases. Identifiers: MedGen C0950123, MeSH D030342.

gnomAD v4.1: 23 of 1,613,986 alleles (0.0014%); highest among the groups gnomAD compares: Non-Finnish European, 0.0018%; no homozygotes.

Submissions (2):

Labcorp Genetics (formerly Invitae), Labcorp
Classification: Uncertain significance. Last evaluated: 2025-12-20. Review status: criteria provided, single submitter. Criteria: Invitae Variant Classification Sherloc (09022015). Collection method: clinical testing. Allele origin: germline.
Comment: This sequence change replaces lysine, which is basic and polar, with glutamine, which is neutral and polar, at codon 886 of the FNIP1 protein (p.Lys886Gln). This variant is present in population databases (rs768921815, gnomAD 0.005%). This variant has not been reported in the literature in individuals affected with FNIP1-related conditions. ClinVar contains an entry for this variant (Variation ID: 3516459). An algorithm developed to predict the effect of missense changes on protein structure and function (PolyPhen-2) suggests that this variant is likely to be disruptive. In summary, the available evidence is currently insufficient to determine the role of this variant in disease. Therefore, it has been classified as a Variant of Uncertain Significance.

Ambry Genetics
Classification: Uncertain significance for Inborn genetic diseases. Last evaluated: 2024-10-17. Review status: criteria provided, single submitter. Criteria: Ambry Variant Classification Scheme 2023. Collection method: clinical testing. Allele origin: germline.

NM_133372.3(FNIP1):c.2656A>C (p.Lys886Gln)

Gene: FNIP1 (folliculin interacting protein 1; minus strand). Cytogenetic location: 5q31.1.
Variant type: single nucleotide variant.
Coding change: c.2656A>C on transcript NM_133372.3 (MANE Select); coding-DNA position 2656, A replaced by C.
Protein change: p.Lys886Gln; replaces lysine 886 with glutamine.
Molecular consequence: missense variant.
Genome position (GRCh38, 1-based): chr5:131,671,788, T>G on the plus strand (A>C on the coding strand, the complement: FNIP1 is on the minus strand). VCF-style: chr5-131671788-T-G. GRCh37 (hg19) VCF-style: chr5-131007481-T-G.
Other names: c.2572A>C, p.Lys858Gln (NM_001008738.3); c.2521A>C, p.Lys841Gln (NM_001346114.2); short protein forms K858Q, K886Q, K841Q.
Identifiers: ClinVar variation 3516459 (VCV003516459.2).